The following is an entry in ClinVar:

ClinVar aggregate classification (germline): Uncertain significance (1 of 4 stars; one submission).

Conditions:
LEP-related disorder. Also called: LEP-related condition.

gnomAD v4.1: 13 of 1,613,260 alleles (0.00081%); highest among the groups gnomAD compares: Non-Finnish European, 0.001%; no homozygotes.

Submission:

PreventionGenetics, part of Exact Sciences
Classification: Uncertain significance for LEP-related condition. Last evaluated: 2026-08-14. Review status: criteria provided, single submitter. Criteria: ACMG Guidelines, 2015. Collection method: clinical testing. Allele origin: germline.
Comment: The LEP c.455G>A variant is predicted to result in the amino acid substitution p.Gly152Glu. To our knowledge, this variant has not been reported in the literature. This variant is reported in 0.00089% of alleles in individuals of European (Non-Finnish) descent in gnomAD. At this time, the clinical significance of this variant is uncertain due to the absence of conclusive functional and genetic evidence.

NM_000230.3(LEP):c.455G>A (p.Gly152Glu)

Gene: LEP (leptin; plus strand). Cytogenetic location: 7q32.1.
Variant type: single nucleotide variant.
Coding change: c.455G>A on transcript NM_000230.3 (MANE Select); coding-DNA position 455, G replaced by A.
Protein change: p.Gly152Glu; replaces glycine 152 with glutamic acid.
Molecular consequence: missense variant.
Genome position (GRCh38, 1-based): chr7:128,254,714, G>A. VCF-style: chr7-128254714-G-A. GRCh37 (hg19) VCF-style: chr7-127894767-G-A.
Other names: short protein forms G152E.
Identifiers: ClinVar variation 4986871 (VCV004986871.1).